The following is an entry in ClinVar:

NC_000014.8:g.(35739803_35742640)_(35746829_?)dup

Gene: PRORP (protein only RNase P catalytic subunit; plus strand). Cytogenetic location: 14q13.2.
Variant type: Duplication.
Identifiers: ClinVar variation 3338984 (VCV003338984.1).

ClinVar aggregate classification (germline): Uncertain significance (1 of 4 stars; one submission).

Submission:

Women's Health and Genetics/Laboratory Corporation of America, LabCorp
Classification: Uncertain significance. Last evaluated: 2024-07-10. Review status: criteria provided, single submitter. Criteria: LabCorp Variant Classification Summary - May 2015. Collection method: clinical testing. Allele origin: germline.
Comment: Variant summary: The variant involves the duplication of exon 8 in the PRORP gene. A presumed nomenclature of c.(1620+1_1621-1)_(*4057_?)dup has been designated for the purposes of this classification. The exact breakpoint at the 3' end of this variant is unknown, therefore this duplication may extend downstream of the annotated region of the gene. As it duplicates the termination codon, its effect on the encoded protein is unknown. The variant was absent in 120780 control chromosomes in the gnomAD database (Structural Variants v4.1 dataset). The available data on variant occurrences in the general population are insufficient to allow any conclusion about variant significance. To our knowledge, no occurrence of c.(1620+1_1621-1)_(*4057_?)dup in individuals affected with Combined Oxidative Phosphorylation Deficiency 54 and no experimental evidence demonstrating its impact on protein function have been reported. No submitters have cited clinical-significance assessments for this variant to ClinVar. Based on the evidence outlined above, the variant was classified as uncertain significance.